The following is an entry in ClinVar:

ClinVar aggregate classification (germline): Uncertain significance (1 of 4 stars; one submission).

gnomAD v4.1: 1 of 1,195,206 alleles (0.000084%); highest among the groups gnomAD compares: East Asian, 0.0034%; no homozygotes.

Submission:

Labcorp Genetics (formerly Invitae), Labcorp
Classification: Uncertain significance. Last evaluated: 2026-01-07. Review status: criteria provided, single submitter. Criteria: Invitae Variant Classification Sherloc (09022015). Collection method: clinical testing. Allele origin: germline.
Comment: This sequence change replaces arginine, which is basic and polar, with tryptophan, which is neutral and slightly polar, at codon 287 of the KCNC3 protein (p.Arg287Trp). The frequency data for this variant in the population databases is considered unreliable, as metrics indicate insufficient coverage at this position in the gnomAD database. This variant has not been reported in the literature in individuals affected with KCNC3-related conditions. Invitae Evidence Modeling of protein sequence and biophysical properties (such as structural, functional, and spatial information, amino acid conservation, physicochemical variation, residue mobility, and thermodynamic stability) indicates that this missense variant is expected to disrupt KCNC3 protein function with a positive predictive value of 95%. In summary, the available evidence is currently insufficient to determine the role of this variant in disease. Therefore, it has been classified as a Variant of Uncertain Significance.

NM_004977.3(KCNC3):c.859C>T (p.Arg287Trp)

Gene: KCNC3 (potassium voltage-gated channel subfamily C member 3; minus strand). Cytogenetic location: 19q13.33.
Variant type: single nucleotide variant.
Coding change: c.859C>T on transcript NM_004977.3 (MANE Select); coding-DNA position 859, C replaced by T.
Protein change: p.Arg287Trp; replaces arginine 287 with tryptophan.
Molecular consequence: missense variant.
Genome position (GRCh38, 1-based): chr19:50,328,224, G>A on the plus strand (C>T on the coding strand, the complement: KCNC3 is on the minus strand). VCF-style: chr19-50328224-G-A. GRCh37 (hg19) VCF-style: chr19-50831481-G-A.
Other names: c.631C>T, p.Arg211Trp (NM_001372305.1); short protein forms R287W, R211W.
Identifiers: ClinVar variation 4768091 (VCV004768091.1).